The following is an entry in ClinVar:

NM_000535.7(PMS2):c.2500A>C (p.Met834Leu)

Gene: PMS2 (PMS1 homolog 2, mismatch repair system component; minus strand). Cytogenetic location: 7p22.1.
Variant type: single nucleotide variant.
Coding change: c.2500A>C on transcript NM_000535.7 (MANE Select); coding-DNA position 2500, A replaced by C.
Protein change: p.Met834Leu; replaces methionine 834 with leucine.
Molecular consequence: missense variant. On other transcripts: non-coding transcript variant (1).
Genome position (GRCh38, 1-based): chr7:5,973,488, T>G on the plus strand (A>C on the coding strand, the complement: PMS2 is on the minus strand). VCF-style: chr7-5973488-T-G. GRCh37 (hg19) VCF-style: chr7-6013119-T-G.
Other names: c.2095A>C, p.Met699Leu (NM_001322003.2, NM_001322004.2, NM_001322005.2); c.2344A>C, p.Met782Leu (NM_001322006.2); c.2182A>C, p.Met728Leu (NM_001322007.2, NM_001322008.2); c.2128A>C, p.Met710Leu (NM_001322009.2); c.1939A>C, p.Met647Leu (NM_001322010.2); c.1567A>C, p.Met523Leu (NM_001322011.2, NM_001322012.2); c.1927A>C, p.Met643Leu (NM_001322013.2); c.2533A>C, p.Met845Leu (NM_001322014.2); and 1 more; short protein forms M523L, M699L, M728L, M643L, M647L, M782L, M834L, M845L.
Identifiers: ClinVar variation 962200 (VCV000962200.11), dbSNP rs1554292828, ClinGen allele CA366734927.

ClinVar aggregate classification (germline): Uncertain significance. Review status: criteria provided, multiple submitters, no conflicts (2 of 4 stars). 4 submissions from 4 submitters: Uncertain significance (4). Last evaluated 2024-10-13.

Conditions:
Hereditary cancer-predisposing syndrome. Also called: Tumor predisposition; Hereditary neoplastic syndrome; Hereditary Cancer Syndrome; Neoplastic Syndromes, Hereditary. Identifiers: Orphanet 140162, MedGen C0027672, MeSH D009386, MONDO:0015356.
Hereditary nonpolyposis colorectal neoplasms. Identifiers: MedGen C0009405, MeSH D003123.
Hereditary cancer. Identifiers: MedGen C1333600.

Submissions (4):

Ambry Genetics
Classification: Uncertain significance for Hereditary cancer-predisposing syndrome. Last evaluated: 2024-10-13. Review status: criteria provided, single submitter. Criteria: Ambry Variant Classification Scheme 2023. Collection method: clinical testing. Allele origin: germline.
Comment: The p.M834L variant (also known as c.2500A>C), located in coding exon 15 of the PMS2 gene, results from an A to C substitution at nucleotide position 2500. The methionine at codon 834 is replaced by leucine, an amino acid with highly similar properties. This amino acid position is conserved. In addition, the in silico prediction for this alteration is inconclusive. Based on the available evidence, the clinical significance of this variant remains unclear.

Mendelics
Classification: Uncertain significance for Hereditary cancer. Last evaluated: 2024-08-12. Review status: criteria provided, single submitter. Criteria: ACMG Guidelines, 2015. Collection method: clinical testing. Allele origin: unknown.

Color Diagnostics, LLC DBA Color Health
Classification: Uncertain significance for Hereditary cancer-predisposing syndrome. Last evaluated: 2023-12-04. Review status: criteria provided, single submitter. Criteria: ACMG Guidelines, 2015. Collection method: clinical testing. Allele origin: germline.
Comment: This missense variant replaces methionine with leucine at codon 834 of the PMS2 protein. Computational prediction is inconclusive regarding the impact of this variant on protein structure and function (internally defined REVEL score threshold 0.5 < inconclusive < 0.7, PMID: 27666373). To our knowledge, functional studies have not been reported for this variant. This variant has not been reported in individuals affected with PMS2-related disorders in the literature. This variant has not been identified in the general population by the Genome Aggregation Database (gnomAD). The available evidence is insufficient to determine the role of this variant in disease conclusively. Therefore, this variant is classified as a Variant of Uncertain Significance.

Labcorp Genetics (formerly Invitae), Labcorp
Classification: Uncertain significance for Hereditary nonpolyposis colorectal neoplasms. Last evaluated: 2022-09-27. Review status: criteria provided, single submitter. Criteria: Invitae Variant Classification Sherloc (09022015). Collection method: clinical testing. Allele origin: germline.
Comment: ClinVar contains an entry for this variant (Variation ID: 962200). In summary, the available evidence is currently insufficient to determine the role of this variant in disease. Therefore, it has been classified as a Variant of Uncertain Significance. Advanced modeling of protein sequence and biophysical properties (such as structural, functional, and spatial information, amino acid conservation, physicochemical variation, residue mobility, and thermodynamic stability) performed at Invitae indicates that this missense variant is not expected to disrupt PMS2 protein function. This variant has not been reported in the literature in individuals affected with PMS2-related conditions. The frequency data for this variant in the population databases (gnomAD) is considered unreliable due to the presence of homologous sequence, such as pseudogenes or paralogs, in the genome. This sequence change replaces methionine, which is neutral and non-polar, with leucine, which is neutral and non-polar, at codon 834 of the PMS2 protein (p.Met834Leu).